The following is an entry in ClinVar:

ClinVar aggregate classification (germline): Uncertain significance. Review status: criteria provided, multiple submitters, no conflicts (2 of 4 stars). 2 submissions from 2 submitters: Uncertain significance (2). Last evaluated 2025-06-29.

Conditions:
Developmental and epileptic encephalopathy, 36 (DEE36). Also called: Congenital disorder of glycosylation, type Is; ALG13-CDG; Epileptic encephalopathy, early infantile, 36. Identifiers: Orphanet 324422, MedGen C4317295, MONDO:0010472, OMIM 300884.

Allele frequency attached by ClinVar (database versions not stated): gnomAD exomes below 0.00001.
gnomAD v4.1: 7 of 1,209,302 alleles (0.00058%); highest among the groups gnomAD compares: East Asian, 0.0059%; no homozygotes.

Submissions (2):

Labcorp Genetics (formerly Invitae), Labcorp
Classification: Uncertain significance for Developmental and epileptic encephalopathy, 36. Last evaluated: 2025-06-29. Review status: criteria provided, single submitter. Criteria: Invitae Variant Classification Sherloc (09022015). Collection method: clinical testing. Allele origin: germline.
Comment: This sequence change replaces cysteine, which is neutral and slightly polar, with glycine, which is neutral and non-polar, at codon 125 of the ALG13 protein (p.Cys125Gly). This variant is not present in population databases (gnomAD no frequency). This missense change has been observed in individual(s) with early infantile epileptic encephalopathy (internal data). ClinVar contains an entry for this variant (Variation ID: 473118). Invitae Evidence Modeling of protein sequence and biophysical properties (such as structural, functional, and spatial information, amino acid conservation, physicochemical variation, residue mobility, and thermodynamic stability) has been performed for this missense variant. However, the output from this modeling did not meet the statistical confidence thresholds required to predict the impact of this variant on ALG13 protein function. In summary, the available evidence is currently insufficient to determine the role of this variant in disease. Therefore, it has been classified as a Variant of Uncertain Significance.

Fulgent Genetics
Classification: Uncertain significance for Developmental and epileptic encephalopathy, 36. Last evaluated: 2022-04-03. Review status: criteria provided, single submitter. Criteria: ACMG Guidelines, 2015. Collection method: clinical testing. Allele origin: unknown.

NM_001099922.3(ALG13):c.373T>G (p.Cys125Gly)

Gene: ALG13 (ALG13 UDP-N-acetylglucosaminyltransferase subunit; plus strand). Cytogenetic location: Xq23.
Variant type: single nucleotide variant.
Coding change: c.373T>G on transcript NM_001099922.3 (MANE Select); coding-DNA position 373, T replaced by G.
Protein change: p.Cys125Gly; replaces cysteine 125 with glycine.
Molecular consequence: missense variant. On other transcripts: non-coding transcript variant (3).
Genome position (GRCh38, 1-based): chrX:111,685,093, T>G. VCF-style: chrX-111685093-T-G. GRCh37 (hg19) VCF-style: chrX-110928321-T-G.
Other names: c.314T>G, p.Leu105Trp (NM_001039210.5); c.373T>G, p.Cys125Gly (NM_001168385.3, NM_001324292.2, NM_018466.6); c.61T>G, p.Cys21Gly (NM_001257230.2, NM_001257234.2, NM_001257235.3 and 6 more transcripts); c.139T>G, p.Cys47Gly (NM_001257231.2, NM_001257241.3); c.379T>G, p.Cys127Gly (NM_001324290.2); short protein forms C21G, C125G, C127G, C47G, L105W.
Identifiers: ClinVar variation 473118 (VCV000473118.13), dbSNP rs1556449735, ClinGen allele CA414248816.